The following is an entry in ClinVar:

NM_025114.4(CEP290):c.6012-5C>A

Gene: CEP290 (centrosomal protein 290; minus strand). Cytogenetic location: 12q21.32.
Variant type: single nucleotide variant.
Coding change: c.6012-5C>A on transcript NM_025114.4 (MANE Select); 5 bases into the intron before coding-DNA position 6012, C replaced by A.
Molecular consequence: intron variant.
Genome position (GRCh38, 1-based): chr12:88,068,650, G>T on the plus strand (C>A on the coding strand, the complement: CEP290 is on the minus strand). VCF-style: chr12-88068650-G-T. GRCh37 (hg19) VCF-style: chr12-88462427-G-T.
Other names: c.6012-5C>A (NM_025114.3).
Identifiers: ClinVar variation 1923850 (VCV001923850.7), dbSNP rs2499678725, ClinGen allele CA2575242699.

ClinVar aggregate classification (germline): Likely benign. Review status: criteria provided, single submitter (1 of 4 stars). 2 submissions from 2 submitters: Likely benign (1). 1 of the submissions does not count toward it. Last evaluated 2025-01-20.

Conditions:
CEP290-related disorder. Also called: CEP290-related condition; CEP290-related disorders. Identifiers: MedGen CN239314.
Joubert syndrome. Also called: CEREBELLOPARENCHYMAL DISORDER IV; JOUBERT-BOLTSHAUSER SYNDROME; Familial aplasia of the vermis. Identifiers: Orphanet 475, MedGen C5979921, MONDO:0018772.
Meckel-Gruber syndrome. Also called: DYSENCEPHALIA SPLANCHNOCYSTICA; GRUBER SYNDROME; Dysencephalia splachnocystica. Identifiers: Orphanet 564, MedGen C0265215, MONDO:0018921.
Nephronophthisis. Also called: Juvenile Nephronophthisis. Identifiers: Orphanet 655, MedGen C0687120, MONDO:0019005, HP:0000090.

Submissions (2):

Labcorp Genetics (formerly Invitae), Labcorp
Classification: Likely benign for Joubert syndrome; Meckel-Gruber syndrome; Nephronophthisis. Last evaluated: 2025-01-20. Review status: criteria provided, single submitter. Criteria: Invitae Variant Classification Sherloc (09022015). Collection method: clinical testing. Allele origin: germline.

PreventionGenetics, part of Exact Sciences
Classification: Likely benign for CEP290-related condition. Last evaluated: 2023-07-22. Review status: no assertion criteria provided. Collection method: clinical testing. Allele origin: germline. Not counted in ClinVar's aggregate classification.
Comment: This variant is classified as likely benign based on ACMG/AMP sequence variant interpretation guidelines (Richards et al. 2015 PMID: 25741868, with internal and published modifications).